The following is an entry in ClinVar:

ClinVar aggregate classification (germline): Conflicting classifications of pathogenicity. Review status: criteria provided, conflicting classifications (1 of 4 stars). 17 submissions from 14 submitters: Uncertain significance (3); Benign (2); Likely benign (10). 2 of the submissions do not count toward it. Last evaluated 2026-09-17.

Conditions:
Age related macular degeneration 4. Identifiers: MedGen C1853147, MONDO:0012540, OMIM 610698.
Factor H deficiency (CFHD). Also called: COMPLEMENT FACTOR H DEFICIENCY; CFH DEFICIENCY. Identifiers: Orphanet 200421, MedGen C0398777, MONDO:0012350, OMIM 609814.
CFH-Related Dense Deposit Disease / Membranoproliferative Glomerulonephritis Type II. Identifiers: MedGen CN071292.
Hemolytic uremic syndrome, atypical, susceptibility to, 1. Also called: AHUS, SUSCEPTIBILITY TO, 1. Identifiers: Orphanet 2134, Orphanet 90038, MedGen C2749604, MONDO:0009335, OMIM 235400. Disease mechanism: Other.
Atypical hemolytic-uremic syndrome. Identifiers: Orphanet 2134, MedGen C2931788, MONDO:0016244.
Basal laminar drusen. Also called: DRUSEN OF BRUCH MEMBRANE; DRUSEN, CUTICULAR; DRUSEN, EARLY ADULT-ONSET, GROUPED. Identifiers: Orphanet 75376, MedGen C0730295, MONDO:0007472, OMIM 126700.

Allele frequency attached by ClinVar (database versions not stated): 1000 Genomes Project 30x 0.00156; 1000 Genomes Project 0.00160; TOPMed 0.00399; gnomAD 0.00425; ESP Exome Variant Server 0.00438.
gnomAD v4.1: 7,469 of 1,613,902 alleles (0.46%); highest among the groups gnomAD compares: Non-Finnish European, 0.53%; 25 homozygotes.

Submissions (17):

Genomenon, Inc
Classification: Benign for Age related macular degeneration 4; Atypical hemolytic-uremic syndrome; Factor H deficiency; Basal laminar drusen. Last evaluated: 2026-09-17. Review status: criteria provided, single submitter. Criteria: Genomenon Sequence Variant Interpretation Standards - Updated. Collection method: curation. Allele origin: germline. Affected: no.
Comment: CFH p.Gln950His (c.2850G>T) is a missense variant that changes the amino acid at codon 950 from glutamine to histidine. This variant is present at high allele frequency in population databases. We classify CFH p.Gln950His (c.2850G>T) as a benign variant.

CeGaT Center for Human Genetics Tuebingen
Classification: Likely benign. Last evaluated: 2026-08-01. Review status: criteria provided, single submitter. Criteria: CeGaT Center For Human Genetics Tuebingen Variant Classification Criteria Version 2. Collection method: clinical testing. Allele origin: germline. Affected: yes. Observed: 11 variant alleles.
Comment: CFH: PS1, BP4, BS2

Women's Health and Genetics/Laboratory Corporation of America, LabCorp
Classification: Likely benign. Last evaluated: 2026-02-05. Review status: criteria provided, single submitter. Criteria: LabCorp Variant Classification Summary - May 2015. Collection method: clinical testing. Allele origin: germline.
Comment: Variant summary: CFH c.2850G>T (p.Gln950His) results in a non-conservative amino acid change in the encoded protein sequence. Algorithms developed to predict the effect of missense changes on protein structure and function are either unavailable or do not agree on the potential impact of this missense change. The variant allele was found at a frequency of 0.0039 in 251400 control chromosomes, predominantly at a frequency of 0.006 within the Non-Finnish European subpopulation in the gnomAD database, including 3 homozygotes. The observed variant frequency within Non-Finnish European control individuals in the gnomAD database exceeds the estimated maximal expected allele frequency for disease-causing variants in CFH. c.2850G>T has been observed in individuals affected with Factor H deficiency without clear evidence for causality (Mohlin_2015). These report(s) do not provide unequivocal conclusions about association of the variant with Factor H deficiency. Co-occurrences with other pathogenic variants have been reported (CFHR1 c.(?_-115)_(*191_?)del, exon 1-6 deletion; CFHR3 c.(?_-48)_(*1895_?)del, exon 1-6 deletion), providing supporting evidence for a benign role. At least one publication reports experimental evidence evaluating an impact on protein function (Mohlin_2015), however, does not allow convincing conclusions about the variant effect. ClinVar contains an entry for this variant (Variation ID: 294510). Based on the evidence outlined above, the variant was classified as likely benign.

Labcorp Genetics (formerly Invitae), Labcorp
Classification: Benign. Last evaluated: 2026-01-30. Review status: criteria provided, single submitter. Criteria: Invitae Variant Classification Sherloc (09022015). Collection method: clinical testing. Allele origin: germline.

Genomic Medicine Center of Excellence, King Faisal Specialist Hospital and Research Centre
Classification: Uncertain significance for Factor H deficiency. Last evaluated: 2025-09-10. Review status: criteria provided, single submitter. Criteria: ACMG Guidelines, 2015. Collection method: clinical testing. Allele origin: germline.

Mayo Clinic Laboratories, Mayo Clinic
Classification: Likely benign. Last evaluated: 2025-05-02. Review status: criteria provided, single submitter. Criteria: ACMG Guidelines, 2015. Collection method: clinical testing. Allele origin: germline. Observed: 29 variant alleles.
Comment: BS1, BS3_moderate

Center for Genomic Medicine, Rigshospitalet, Copenhagen University Hospital
Classification: Uncertain significance. Last evaluated: 2025-03-04. Review status: criteria provided, single submitter. Criteria: ACMG Guidelines, 2015. Collection method: clinical testing. Allele origin: germline.

Blueprint Genetics
Classification: Likely benign. Last evaluated: 2024-11-19. Review status: criteria provided, single submitter. Criteria: ACMG Guidelines, 2015. Collection method: clinical testing. Allele origin: germline.

Genome Diagnostics Laboratory, The Hospital for Sick Children
Classification: Likely benign for Atypical hemolytic-uremic syndrome. Last evaluated: 2021-01-04. Review status: criteria provided, single submitter. Criteria: ACMG Guidelines, 2015. Collection method: clinical testing. Allele origin: germline.

GeneDx
Classification: Uncertain significance. Last evaluated: 2020-02-17. Review status: criteria provided, single submitter. Criteria: GeneDx Variant Classification Process June 2021. Collection method: clinical testing. Allele origin: germline. Affected: yes.
Comment: Reported in multiple individuals with atypical hemolytic uremic syndrome or age-related macular degeneration (Neumann et al., 2003; Caprioli et al., 2003; Maga et al., 2010; Sartz et al., 2012; van de Ven et al., 2013; Duvvari et al., 2016; Szarvas et al., 2016; Besbas et al., 2017; Seaby et al., 2017; Fidalgo et al., 2017; Gaut et al., 2017; Geerlings et al., 2018); Functional studies demonstrated moderately decreased cofactor function of factor H and somewhat decreased expression, but normal complement inhibitory function in fluid phase (Mohlin et al., 2015); In silico analysis, which includes protein predictors and evolutionary conservation, supports a deleterious effect; This variant is associated with the following publications: (PMID: 32424742, 31118930, 31865800, 30870849, 26826462, 23251215, 25733390, 29888403, 30046676, 30377230, 28589114, 29148534, 28056875, 26346198, 27007659, 23685748, 12960213, 22250080, 23660864, 18557729, 28752844, 20513133, 14583443)

Eurofins Ntd Llc (ga)
Classification: Likely benign. Last evaluated: 2018-09-12. Review status: criteria provided, single submitter. Criteria: EGL ClinVar v180209 classification definitions. Collection method: clinical testing. Allele origin: germline. Observed: 1 variant allele, 1 heterozygote.

Illumina Laboratory Services, Illumina
Classification: Likely benign for Hemolytic uremic syndrome, atypical, susceptibility to, 1. Last evaluated: 2017-04-27. Review status: criteria provided, single submitter. Criteria: ICSL Variant Classification Criteria 13 December 2019. Collection method: clinical testing. Allele origin: germline.
Comment: This variant was observed as part of a predisposition screen in an ostensibly healthy population. A literature search was performed for the gene, cDNA change, and amino acid change (where applicable). No publications were found based on this search. Allele frequency data from public databases allowed determination this variant is unlikely to cause disease. Therefore, this variant is classified as likely benign.

Illumina Laboratory Services, Illumina
Classification: Likely benign for Membranoproliferative glomerulonephritis with complement factor h deficiency. Last evaluated: 2017-04-27. Review status: criteria provided, single submitter. Criteria: ICSL Variant Classification Criteria 13 December 2019. Collection method: clinical testing. Allele origin: germline.
Comment: the same text as in the submission from Illumina Laboratory Services, Illumina above.

Illumina Laboratory Services, Illumina
Classification: Likely benign for Basal laminar drusen. Last evaluated: 2017-04-27. Review status: criteria provided, single submitter. Criteria: ICSL Variant Classification Criteria 13 December 2019. Collection method: clinical testing. Allele origin: germline.
Comment: the same text as in the submission from Illumina Laboratory Services, Illumina above.

Illumina Laboratory Services, Illumina
Classification: Likely benign for Age related macular degeneration 4. Last evaluated: 2017-04-27. Review status: criteria provided, single submitter. Criteria: ICSL Variant Classification Criteria 13 December 2019. Collection method: clinical testing. Allele origin: germline.
Comment: the same text as in the submission from Illumina Laboratory Services, Illumina above.

Diagnostic Laboratory, Department of Genetics, University Medical Center Groningen
Classification: Likely benign. Review status: no assertion criteria provided. Collection method: clinical testing. Allele origin: germline. Affected: yes. Study: VKGL Data-share Consensus. Not counted in ClinVar's aggregate classification.

Genome Diagnostics Laboratory, University Medical Center Utrecht
Classification: Likely benign. Review status: no assertion criteria provided. Collection method: clinical testing. Allele origin: germline. Affected: yes. Study: VKGL Data-share Consensus. Not counted in ClinVar's aggregate classification.

Literature cited by the submitters: PubMed 25733390 (cited by 3 submitters); PubMed 14583443 (cited by Mayo Clinic Laboratories, Mayo Clinic); PubMed 30377230 (cited by Mayo Clinic Laboratories, Mayo Clinic); PubMed 34189567 (cited by Mayo Clinic Laboratories, Mayo Clinic and Center for Genomic Medicine, Rigshospitalet, Copenhagen University Hospital); PubMed 34508573 (cited by Mayo Clinic Laboratories, Mayo Clinic); PubMed 32424742 (cited by Center for Genomic Medicine, Rigshospitalet, Copenhagen University Hospital); PubMed 34169201 (cited by Center for Genomic Medicine, Rigshospitalet, Copenhagen University Hospital); PubMed 29500241 (cited by Center for Genomic Medicine, Rigshospitalet, Copenhagen University Hospital).

NM_000186.4(CFH):c.2850G>T (p.Gln950His)

Gene: CFH (complement factor H; plus strand). Cytogenetic location: 1q31.3.
Variant type: single nucleotide variant.
Coding change: c.2850G>T on transcript NM_000186.4 (MANE Select); coding-DNA position 2850, G replaced by T.
Protein change: p.Gln950His; replaces glutamine 950 with histidine.
Molecular consequence: missense variant.
Genome position (GRCh38, 1-based): chr1:196,740,686, G>T. VCF-style: chr1-196740686-G-T. GRCh37 (hg19) VCF-style: chr1-196709816-G-T.
Other names: p.Gln950His; short protein forms Q950H.
Identifiers: ClinVar variation 294510 (VCV000294510.74), dbSNP rs149474608, ClinGen allele CA1305760.